The following is an entry in ClinVar:

ClinVar aggregate classification (germline): Uncertain significance (1 of 4 stars; one submission).

Submission:

Labcorp Genetics (formerly Invitae), Labcorp
Classification: Uncertain significance. Last evaluated: 2025-09-01. Review status: criteria provided, single submitter. Criteria: Invitae Variant Classification Sherloc (09022015). Collection method: clinical testing. Allele origin: germline.
Comment: This sequence change replaces serine, which is neutral and polar, with arginine, which is basic and polar, at codon 31 of the ICOSLG protein (p.Ser31Arg). This variant is present in population databases (rs370843367, gnomAD 0.002%). This variant has not been reported in the literature in individuals affected with ICOSLG-related conditions. ClinVar contains an entry for this variant (Variation ID: 2807249). An algorithm developed to predict the effect of missense changes on protein structure and function (PolyPhen-2) suggests that this variant is likely to be disruptive. In summary, the available evidence is currently insufficient to determine the role of this variant in disease. Therefore, it has been classified as a Variant of Uncertain Significance.

NM_015259.6(ICOSLG):c.93C>A (p.Ser31Arg)

Gene: ICOSLG (inducible T cell costimulator ligand; minus strand). Cytogenetic location: 21q22.3.
Variant type: single nucleotide variant.
Coding change: c.93C>A on transcript NM_015259.6 (MANE Select); coding-DNA position 93, C replaced by A.
Protein change: p.Ser31Arg; replaces serine 31 with arginine.
Molecular consequence: missense variant. On other transcripts: intron variant (2).
Genome position (GRCh38, 1-based): chr21:44,237,180, G>T on the plus strand (C>A on the coding strand, the complement: ICOSLG is on the minus strand). VCF-style: chr21-44237180-G-T. GRCh37 (hg19) VCF-style: chr21-45657063-G-T.
Other names: c.93C>A, p.Ser31Arg (NM_001283050.2, NM_001395918.1); c.12C>A, p.Ser4Arg (NM_001365759.2); c.55+1268C>A (NM_001283051.2); c.-48-115C>A (NM_001283052.2); short protein forms S31R, S4R.
Identifiers: ClinVar variation 2807249 (VCV002807249.3), dbSNP rs370843367, ClinGen allele CA321498451.